The following is an entry in ClinVar:

ClinVar aggregate classification (germline): Likely pathogenic (1 of 4 stars; one submission).

Conditions:
Congenital anomalies of kidney and urinary tract 1. Also called: Congenital anomalies of kidney and urinary tract 1, susceptibility to; Renal hypodysplasia, nonsyndromic, 1. Identifiers: MedGen C1835826, MONDO:0012561, OMIM 610805.

Submission:

Department of Pediatrics, Seoul National University Bundang Hospital
Classification: Likely pathogenic for Congenital anomalies of kidney and urinary tract 1. Last evaluated: 2024-12-01. Review status: criteria provided, single submitter. Criteria: ACMG Guidelines, 2015. Collection method: clinical testing. Allele origin: unknown. Inheritance: Autosomal dominant inheritance. Observed: 1 variant allele.
Comment: The p.Gln278Ter is a nonsense variant and is regarded as likely pathogenic (PVS1, PM2, according to ACMG criteria). It has been reported in the following publication (PMID: 32203253).

Literature cited by the submitters: PubMed 32203253.

NM_000278.5(PAX2):c.763C>T (p.Gln255Ter)

Gene: PAX2 (paired box 2; plus strand). Cytogenetic location: 10q24.31.
Variant type: single nucleotide variant.
Coding change: c.763C>T on transcript NM_000278.5 (MANE Select); coding-DNA position 763, C replaced by T.
Protein change: p.Gln255Ter; replaces glutamine 255 with a stop codon.
Molecular consequence: nonsense.
Genome position (GRCh38, 1-based): chr10:100,806,576, C>T. VCF-style: chr10-100806576-C-T. GRCh37 (hg19) VCF-style: chr10-102566333-C-T.
Other names: c.856C>T, p.Gln286Ter (NM_001304569.2); c.832C>T, p.Gln278Ter (NM_003987.5, NM_003990.5); c.763C>T, p.Gln255Ter (NM_003988.5, NM_003989.5); short protein forms Q255*, Q278*, Q286*.
Identifiers: ClinVar variation 3602562 (VCV003602562.2).